The following is an entry in ClinVar:

NM_004453.4(ETFDH):c.176-2A>T

Gene: ETFDH (electron transfer flavoprotein dehydrogenase; plus strand). Cytogenetic location: 4q32.1.
Variant type: single nucleotide variant.
Coding change: c.176-2A>T on transcript NM_004453.4 (MANE Select); the canonical splice acceptor site of the intron before coding-DNA position 176, A replaced by T.
Molecular consequence: splice acceptor variant. On other transcripts: 5 prime UTR variant (1).
Genome position (GRCh38, 1-based): chr4:158,682,193, A>T. VCF-style: chr4-158682193-A-T. GRCh37 (hg19) VCF-style: chr4-159603345-A-T.
Other names: c.-10A>T (NM_001281738.1); c.35-2A>T (NM_001281737.2).
Identifiers: ClinVar variation 948092 (VCV000948092.12), dbSNP rs1485038306, ClinGen allele CA358573717.

ClinVar aggregate classification (germline): Pathogenic/Likely pathogenic. Review status: criteria provided, multiple submitters, no conflicts (2 of 4 stars). 3 submissions from 3 submitters: Pathogenic (1); Likely pathogenic (2). Last evaluated 2025-11-12.

Conditions:
Glutaric acidemia type 2C.
Multiple acyl-CoA dehydrogenase deficiency (MADD). Also called: ETHYLMALONIC-ADIPICACIDURIA; GA II; Glutaric aciduria, type 2; Glutaric Acidemia type 2; Glutaric acidemia type II; GA 2. Identifiers: Orphanet 26791, MedGen C0268596, MONDO:0009282, OMIM 231680.

Allele frequency attached by ClinVar (database versions not stated): TOPMed below 0.00001; gnomAD 0.00001; gnomAD exomes 0.00001.
gnomAD v4.1: 8 of 1,613,722 alleles (0.0005%); highest among the groups gnomAD compares: South Asian, 0.0011%; no homozygotes.

Submissions (3):

Natera, Inc.
Classification: Pathogenic for Glutaric acidemia type 2C. Last evaluated: 2025-11-12. Review status: criteria provided, single submitter. Criteria: Natera Variant Classification Schema (03/2026). Collection method: clinical testing. Allele origin: germline.
Comment: The c.176-2A>T variant in ETFDH is a canonical splice acceptor site variant predicted to affect pre-mRNA splicing, which may result in an abnormal transcript and altered protein product. This variant is expected to result in nonsense mediated decay, truncation, or a dysfunctional protein product. This variant is rare in the general population with a frequency below the threshold expected for the associated phenotype(s). Another variant at this same site results in an alteration predicted to cause a similar molecular effect has been observed in individual(s) with the associated phenotype. Given the available evidence, this variant is classified as Pathogenic.

Baylor Genetics
Classification: Likely pathogenic for Multiple acyl-CoA dehydrogenase deficiency. Last evaluated: 2024-02-13. Review status: criteria provided, single submitter. Criteria: ACMG Guidelines, 2015. Collection method: clinical testing. Allele origin: unknown.

Labcorp Genetics (formerly Invitae), Labcorp
Classification: Likely pathogenic for Multiple acyl-CoA dehydrogenase deficiency. Last evaluated: 2024-02-03. Review status: criteria provided, single submitter. Criteria: Invitae Variant Classification Sherloc (09022015). Collection method: clinical testing. Allele origin: germline.
Comment: This sequence change affects an acceptor splice site in intron 2 of the ETFDH gene. It is expected to disrupt RNA splicing. Variants that disrupt the donor or acceptor splice site typically lead to a loss of protein function (PMID: 16199547), and loss-of-function variants in ETFDH are known to be pathogenic (PMID: 16510302, 23785301). This variant is present in population databases (no rsID available, gnomAD 0.002%). This variant has not been reported in the literature in individuals affected with ETFDH-related conditions. ClinVar contains an entry for this variant (Variation ID: 948092). Algorithms developed to predict the effect of sequence changes on RNA splicing suggest that this variant may disrupt the consensus splice site. In summary, the currently available evidence indicates that the variant is pathogenic, but additional data are needed to prove that conclusively. Therefore, this variant has been classified as Likely Pathogenic.

Literature cited by the submitters: PubMed 16199547 (cited by Labcorp Genetics (formerly Invitae), Labcorp); PubMed 16510302 (cited by Labcorp Genetics (formerly Invitae), Labcorp); PubMed 23785301 (cited by Labcorp Genetics (formerly Invitae), Labcorp).